The following is an entry in ClinVar:

NM_001374828.1(ARID1B):c.5592_5603del (p.Asp1864_Asp1867del)

Gene: ARID1B (AT-rich interaction domain 1B; plus strand). Cytogenetic location: 6q25.3.
Variant type: Deletion.
Coding change: c.5592_5603del on transcript NM_001374828.1 (MANE Select); coding-DNA positions 5592 to 5603, 12 bases deleted (CGAGGAAGACGA).
Protein change: p.Asp1864_Asp1867del.
Molecular consequence: inframe deletion.
Genome position (GRCh38, 1-based): chr6:157,206,364-157,206,375, CGAGGAAGACGA deleted; deleting any 12 consecutive bases within chr6:157,206,359-157,206,375 gives the same sequence; the c. name uses the placement nearest the transcript's 3' end. VCF-style (leftmost placement, unchanged base first): chr6-157206358-TGACGACGAGGAA-T. GRCh37 (hg19) VCF-style: chr6-157527492-TGACGACGAGGAA-T.
Other names: c.5223_5234del12 (NM_020732.3); c.3093_3104del, p.Asp1031_Asp1034del (NM_001363725.2); c.5472_5483del, p.Asp1824_Asp1827del (NM_001371656.1, NM_001374820.1); c.5433_5444del, p.Asp1811_Asp1814del (NM_017519.3); c.5223_5234del (NM_020732.3).
Identifiers: ClinVar variation 1311643 (VCV001311643.7), dbSNP rs760357573, ClinGen allele CA4067864.

ClinVar aggregate classification (germline): Conflicting classifications of pathogenicity. Review status: criteria provided, conflicting classifications (1 of 4 stars). 4 submissions from 4 submitters: Uncertain significance (3); Likely benign (1). Last evaluated 2023-10-13.

Conditions:
Inborn genetic diseases. Identifiers: MedGen C0950123, MeSH D030342.

Submissions (4):

Ambry Genetics
Classification: Likely benign for Inborn genetic diseases. Last evaluated: 2023-10-13. Review status: criteria provided, single submitter. Criteria: Ambry Variant Classification Scheme 2023. Collection method: clinical testing. Allele origin: germline.

Labcorp Genetics (formerly Invitae), Labcorp
Classification: Uncertain significance. Last evaluated: 2023-03-19. Review status: criteria provided, single submitter. Criteria: Invitae Variant Classification Sherloc (09022015). Collection method: clinical testing. Allele origin: germline.
Comment: This variant has not been reported in the literature in individuals affected with ARID1B-related conditions. This variant is present in population databases (rs760357573, gnomAD 0.0009%). This variant, c.5223_5234del, results in the deletion of 4 amino acid(s) of the ARID1B protein (p.Asp1741_Asp1744del), but otherwise preserves the integrity of the reading frame. ClinVar contains an entry for this variant (Variation ID: 1311643). In summary, the available evidence is currently insufficient to determine the role of this variant in disease. Therefore, it has been classified as a Variant of Uncertain Significance. Experimental studies and prediction algorithms are not available or were not evaluated, and the functional significance of this variant is currently unknown.

GeneDx
Classification: Uncertain significance. Last evaluated: 2019-12-23. Review status: criteria provided, single submitter. Criteria: GeneDx Variant Classification Process June 2021. Collection method: clinical testing. Allele origin: germline. Affected: yes.
Comment: In-frame deletion of 4 amino acids in a non-repeat region; In silico analysis, which includes protein predictors and evolutionary conservation, supports a deleterious effect; Has not been previously published as pathogenic or benign to our knowledge

Breakthrough Genomics
Classification: Uncertain significance. Review status: criteria provided, single submitter. Criteria: ACMG Guidelines, 2015. Collection method: not provided. Allele origin: germline. Inheritance: Autosomal dominant inheritance. Affected: yes.